The following is an entry in ClinVar:

ClinVar aggregate classification (germline): Uncertain significance (1 of 4 stars; one submission).

gnomAD v4.1: 2 of 1,614,122 alleles (0.00012%); highest among the groups gnomAD compares: African/African-American, 0.0013%; no homozygotes.

Submission:

Ambry Genetics
Classification: Uncertain significance. Last evaluated: 2025-10-12. Review status: criteria provided, single submitter. Criteria: Ambry Variant Classification Scheme 2023. Collection method: clinical testing. Allele origin: germline.
Comment: The p.I1155T variant (also known as c.3464T>C), located in coding exon 28 of the A2ML1 gene, results from a T to C substitution at nucleotide position 3464. The isoleucine at codon 1155 is replaced by threonine, an amino acid with similar properties. This amino acid position is conserved. In addition, this alteration is predicted to be tolerated by in silico analysis. Based on the available evidence, the clinical significance of this variant remains unclear.

NM_144670.6(A2ML1):c.3464T>C (p.Ile1155Thr)

Gene: A2ML1 (alpha-2-macroglobulin like 1; plus strand). Cytogenetic location: 12p13.31.
Variant type: single nucleotide variant.
Coding change: c.3464T>C on transcript NM_144670.6 (MANE Select); coding-DNA position 3464, T replaced by C.
Protein change: p.Ile1155Thr; replaces isoleucine 1155 with threonine.
Molecular consequence: missense variant.
Genome position (GRCh38, 1-based): chr12:8,861,259, T>C. VCF-style: chr12-8861259-T-C. GRCh37 (hg19) VCF-style: chr12-9013855-T-C.
Other names: c.1991T>C, p.Ile664Thr (NM_001282424.3); short protein forms I1155T, I664T.
Identifiers: ClinVar variation 4635632 (VCV004635632.1).